The following is an entry in ClinVar:

ClinVar aggregate classification (germline): Uncertain significance (1 of 4 stars; one submission).

Submission:

Labcorp Genetics (formerly Invitae), Labcorp
Classification: Uncertain significance. Last evaluated: 2022-03-10. Review status: criteria provided, single submitter. Criteria: Invitae Variant Classification Sherloc (09022015). Collection method: clinical testing. Allele origin: germline.
Comment: This sequence change replaces alanine, which is neutral and non-polar, with glycine, which is neutral and non-polar, at codon 801 of the CACNA1F protein (p.Ala801Gly). This variant is not present in population databases (gnomAD no frequency). This variant has not been reported in the literature in individuals affected with CACNA1F-related conditions. ClinVar contains an entry for this variant (Variation ID: 851557). Algorithms developed to predict the effect of missense changes on protein structure and function (SIFT, PolyPhen-2, Align-GVGD) all suggest that this variant is likely to be tolerated. Algorithms developed to predict the effect of sequence changes on RNA splicing suggest that this variant may disrupt the consensus splice site. In summary, the available evidence is currently insufficient to determine the role of this variant in disease. Therefore, it has been classified as a Variant of Uncertain Significance.

NM_001256789.3(CACNA1F):c.2369C>G (p.Ala790Gly)

Gene: CACNA1F (calcium voltage-gated channel subunit alpha1 F; minus strand). Cytogenetic location: Xp11.23.
Variant type: single nucleotide variant.
Coding change: c.2369C>G on transcript NM_001256789.3 (MANE Select); coding-DNA position 2369, C replaced by G.
Protein change: p.Ala790Gly; replaces alanine 790 with glycine.
Molecular consequence: missense variant.
Genome position (GRCh38, 1-based): chrX:49,220,490, G>C on the plus strand (C>G on the coding strand, the complement: CACNA1F is on the minus strand). VCF-style: chrX-49220490-G-C. GRCh37 (hg19) VCF-style: chrX-49076949-G-C.
Other names: c.2207C>G, p.Ala736Gly (NM_001256790.3); c.2402C>G, p.Ala801Gly (NM_005183.4); short protein forms A790G, A801G, A736G.
Identifiers: ClinVar variation 851557 (VCV000851557.11), dbSNP rs2065764474, ClinGen allele CA412908254.
Genomic context (GRCh38, chrX:49,220,490, plus strand): 5'-CCCCAAGGTCCCACACCTGCTCCACCTGGCCCTGCCCACTTGCCTGCTCCTTCCCTCCTT[G>C]CACCCTCCTCTTCCTCTTTCTCCACACCAGGCACCTGAGGACAGGAAGACGGGAGTCATC-3'
Protein context (NP_001243718.1, residues 780-800): PGVEKEEEEG[Ala790Gly]RREGADMEEE